The following is an entry in ClinVar:

ClinVar aggregate classification (germline): Benign. Review status: criteria provided, multiple submitters, no conflicts (2 of 4 stars). 2 submissions from 2 submitters: Benign (2). Last evaluated 2018-06-14.

Allele frequency attached by ClinVar (database versions not stated): ESP Exome Variant Server 0.01332; gnomAD 0.01716; TOPMed 0.01806; 1000 Genomes Project 0.02177; 1000 Genomes Project 30x 0.02358.
gnomAD v4.1: 4,045 of 1,252,260 alleles (0.32%); highest among the groups gnomAD compares: African/African-American, 5.6%; 117 homozygotes.

Submissions (2):

GeneDx
Classification: Benign. Last evaluated: 2018-06-14. Review status: criteria provided, single submitter. Criteria: GeneDx Variant Classification (06012015). Collection method: clinical testing. Allele origin: germline. Affected: yes.
Comment: This variant is considered likely benign or benign based on one or more of the following criteria: it is a conservative change, it occurs at a poorly conserved position in the protein, it is predicted to be benign by multiple in silico algorithms, and/or has population frequency not consistent with disease.

Breakthrough Genomics
Classification: Benign. Review status: criteria provided, single submitter. Criteria: ACMG Guidelines, 2015. Collection method: not provided. Allele origin: germline. Inheritance: Autosomal dominant inheritance. Affected: yes.

NM_001035.3(RYR2):c.48+37G>A

Gene: RYR2 (ryanodine receptor 2; plus strand). Cytogenetic location: 1q43.
Variant type: single nucleotide variant.
Coding change: c.48+37G>A on transcript NM_001035.3 (MANE Select); 37 bases into the intron after coding-DNA position 48, G replaced by A.
Molecular consequence: intron variant.
Genome position (GRCh38, 1-based): chr1:237,042,606, G>A. VCF-style: chr1-237042606-G-A. GRCh37 (hg19) VCF-style: chr1-237205906-G-A.
Identifiers: ClinVar variation 671444 (VCV000671444.2), dbSNP rs77780919, ClinGen allele CA086746.